The following is an entry in ClinVar:

NM_002296.4(LBR):c.1159T>G (p.Cys387Gly)

Gene: LBR (lamin B receptor; minus strand). Cytogenetic location: 1q42.12.
Variant type: single nucleotide variant.
Coding change: c.1159T>G on transcript NM_002296.4 (MANE Select); coding-DNA position 1159, T replaced by G.
Protein change: p.Cys387Gly; replaces cysteine 387 with glycine.
Molecular consequence: missense variant.
Genome position (GRCh38, 1-based): chr1:225,411,366, A>C on the plus strand (T>G on the coding strand, the complement: LBR is on the minus strand). VCF-style: chr1-225411366-A-C. GRCh37 (hg19) VCF-style: chr1-225599068-A-C.
Other names: c.1159T>G, p.Cys387Gly (NM_194442.3); short protein forms C387G.
Identifiers: ClinVar variation 4989510 (VCV004989510.1).

ClinVar aggregate classification (germline): Uncertain significance (1 of 4 stars; one submission).

Conditions:
LBR-related disorder. Also called: LBR-related disorders; LBR-related condition.

gnomAD v4.1: 1 of 1,614,076 alleles (0.000062%); highest among the groups gnomAD compares: Non-Finnish European, 0.000085%; no homozygotes.

Submission:

PreventionGenetics, part of Exact Sciences
Classification: Uncertain significance for LBR-related condition. Last evaluated: 2026-02-06. Review status: criteria provided, single submitter. Criteria: ACMG Guidelines, 2015. Collection method: clinical testing. Allele origin: germline.
Comment: The LBR c.1159T>G variant is predicted to result in the amino acid substitution p.Cys387Gly. To our knowledge, this variant has not been reported in the literature or in a large population database (gnomAD), indicating this variant is rare. At this time, the clinical significance of this variant is uncertain due to the absence of conclusive functional and genetic evidence.